The following is an entry in ClinVar:

NM_201253.3(CRB1):c.1438T>C (p.Cys480Arg)

Gene: CRB1 (crumbs cell polarity complex component 1; plus strand). Cytogenetic location: 1q31.3.
Variant type: single nucleotide variant.
Coding change: c.1438T>C on transcript NM_201253.3 (MANE Select); coding-DNA position 1438, T replaced by C.
Protein change: p.Cys480Arg; replaces cysteine 480 with arginine.
Molecular consequence: missense variant. On other transcripts: non-coding transcript variant (2).
Genome position (GRCh38, 1-based): chr1:197,421,266, T>C. VCF-style: chr1-197421266-T-C. GRCh37 (hg19) VCF-style: chr1-197390396-T-C.
Other names: c.1102T>C, p.Cys368Arg (NM_001193640.2); c.1231T>C, p.Cys411Arg (NM_001257965.2); c.1438T>C, p.Cys480Arg (NM_001257966.2); short protein forms C480R, C368R, C411R.
Identifiers: ClinVar variation 99870 (VCV000099870.25), dbSNP rs62636264, ClinGen allele CA227993.

ClinVar aggregate classification (germline): Pathogenic/Likely pathogenic. Review status: criteria provided, multiple submitters, no conflicts (2 of 4 stars). 12 submissions from 10 submitters: Pathogenic (7); Likely pathogenic (4). 1 of the submissions does not count toward it. Last evaluated 2025-08-14.

Conditions:
Retinitis pigmentosa 12 (RP12). Also called: RP WITH OR WITHOUT PRESERVED PARAARTERIOLE RETINAL PIGMENT EPITHELIUM; RETINITIS PIGMENTOSA WITH OR WITHOUT PARAARTERIOLAR PRESERVATION OF RETINAL PIGMENT EPITHELIUM; RP WITH OR WITHOUT PPRPE. Identifiers: Orphanet 791, MedGen C1838647, MONDO:0010818, OMIM 600105.
Leber congenital amaurosis 8 (LCA8). Identifiers: Orphanet 65, MedGen C3151202, MONDO:0013453, OMIM 613835.
Pigmented paravenous retinochoroidal atrophy. Identifiers: Orphanet 251295, MedGen C1868310, MONDO:0008246, OMIM 172870.
Retinal dystrophy. Also called: Inherited retinal dystrophy. Identifiers: Orphanet 71862, MedGen C0854723, MeSH D058499, MONDO:0019118, HP:0000556.
Leber congenital amaurosis (LCA). Also called: Leber's amaurosis. Identifiers: Orphanet 65, MedGen C0339527, MeSH D057130, MONDO:0018998.
CRB1-related disorder. Also called: CRB1-related disorders; CRB1-related condition.

Allele frequency attached by ClinVar (database versions not stated): gnomAD exomes below 0.00001 and 0.00001; gnomAD 0.00006 and 0.00007; TOPMed 0.00011.
gnomAD v4.1: 13 of 1,614,058 alleles (0.00081%); highest among the groups gnomAD compares: Admixed American, 0.018%; no homozygotes.

Submissions (12):

Natera, Inc.
Classification: Pathogenic for Leber congenital amaurosis. Last evaluated: 2025-08-14. Review status: criteria provided, single submitter. Criteria: Natera Variant Classification Schema (03/2026). Collection method: clinical testing. Allele origin: germline.
Comment: The c.1438T>C variant in CRB1 is a missense variant predicted to cause substitution of cysteine to arginine at amino acid 480. This variant is rare in the general population with a frequency below the threshold expected for the associated phenotype(s). This variant has been observed in one or more individuals affected with the associated recessive disease, as either homozygous or compound heterozygous with a second variant (PMID: 11231775, 25412400, 36196406, 35318874). Computational prediction algorithms indicate this variant is likely to affect gene or protein function. Given the available evidence, this variant is classified as Pathogenic.

Labcorp Genetics (formerly Invitae), Labcorp
Classification: Pathogenic for Leber congenital amaurosis 8; Retinitis pigmentosa 12. Last evaluated: 2025-05-12. Review status: criteria provided, single submitter. Criteria: Invitae Variant Classification Sherloc (09022015). Collection method: clinical testing. Allele origin: germline.
Comment: This sequence change replaces cysteine, which is neutral and slightly polar, with arginine, which is basic and polar, at codon 480 of the CRB1 protein (p.Cys480Arg). This variant is present in population databases (rs62636264, gnomAD 0.009%). This missense change has been observed in individuals with Leber congenital amaurosis (PMID: 11231775, 21757580, 23847139). ClinVar contains an entry for this variant (Variation ID: 99870). Invitae Evidence Modeling of protein sequence and biophysical properties (such as structural, functional, and spatial information, amino acid conservation, physicochemical variation, residue mobility, and thermodynamic stability) indicates that this missense variant is expected to disrupt CRB1 protein function with a positive predictive value of 95%. This variant disrupts the p.Cys480 amino acid residue in CRB1. Other variant(s) that disrupt this residue have been observed in individuals with CRB1-related conditions (PMID: 11231775, 23847139), which suggests that this may be a clinically significant amino acid residue. For these reasons, this variant has been classified as Pathogenic.

Baylor Genetics
Classification: Pathogenic for Leber congenital amaurosis 8. Last evaluated: 2024-03-27. Review status: criteria provided, single submitter. Criteria: ACMG Guidelines, 2015. Collection method: clinical testing. Allele origin: unknown.

Fulgent Genetics
Classification: Pathogenic for Pigmented paravenous retinochoroidal atrophy; Retinitis pigmentosa 12; Leber congenital amaurosis 8. Last evaluated: 2024-02-27. Review status: criteria provided, single submitter. Criteria: ACMG Guidelines, 2015. Collection method: clinical testing. Allele origin: germline.

Women's Health and Genetics/Laboratory Corporation of America, LabCorp
Classification: Pathogenic for Retinal dystrophy. Last evaluated: 2023-05-24. Review status: criteria provided, single submitter. Criteria: LabCorp Variant Classification Summary - May 2015. Collection method: clinical testing. Allele origin: germline.
Comment: Variant summary: CRB1 c.1438T>C (p.Cys480Arg) results in a non-conservative amino acid change located in the EGF like domain of the encoded protein sequence. Five of five in-silico tools predict a damaging effect of the variant on protein function. The variant allele was found at a frequency of 8e-06 in 251442 control chromosomes (gnomAD). c.1438T>C has been reported in the literature in multiple individuals affected with Retinal Dystrophy (examples: Lotery_2001, Aleman_2011,Vargas_2022). These data indicate that the variant is very likely to be associated with disease. The following publications have been ascertained in the context of this evaluation (PMID: 21757580, 11231775, 35318874). Four clinical diagnostic laboratories have submitted clinical-significance assessments for this variant to ClinVar after 2014 and all classified the variant as pathogenic/likely pathogenic. Based on the evidence outlined above, the variant was classified as pathogenic.

Genome-Nilou Lab
Classification: Likely pathogenic for Leber congenital amaurosis 8. Last evaluated: 2023-04-11. Review status: criteria provided, single submitter. Criteria: ACMG Guidelines, 2015. Collection method: clinical testing. Allele origin: germline. Affected: no.

Genome-Nilou Lab
Classification: Likely pathogenic for Pigmented paravenous retinochoroidal atrophy. Last evaluated: 2023-04-11. Review status: criteria provided, single submitter. Criteria: ACMG Guidelines, 2015. Collection method: clinical testing. Allele origin: germline. Affected: no.

Genome-Nilou Lab
Classification: Likely pathogenic for Retinitis pigmentosa 12. Last evaluated: 2023-04-11. Review status: criteria provided, single submitter. Criteria: ACMG Guidelines, 2015. Collection method: clinical testing. Allele origin: germline. Affected: no.

Ocular Genomics Institute, Massachusetts Eye and Ear
Classification: Likely pathogenic for Retinitis pigmentosa 12. Last evaluated: 2021-04-08. Review status: criteria provided, single submitter. Criteria: ACMG Guidelines, 2015. Collection method: research. Allele origin: germline. Affected: yes.
Comment: Through a review of available evidence we were able to apply the following criteria: PM2, PP3, PM1, PM3. Based on this evidence we have classified this variant as Likely Pathogenic.

Blueprint Genetics
Classification: Pathogenic for CRB1-related disorders. Last evaluated: 2020-02-21. Review status: criteria provided, single submitter. Criteria: ACMG Guidelines, 2015. Collection method: clinical testing. Allele origin: germline. Affected: yes. Observed: 2 variant alleles.

ARUP Laboratories, Molecular Genetics and Genomics, ARUP Laboratories
Classification: Pathogenic. Last evaluated: 2017-06-07. Review status: criteria provided, single submitter. Criteria: ARUP Molecular Germline Variant Investigation Process. Collection method: clinical testing. Allele origin: germline.
Comment: The CRB1 c.1438T>C;p.Cys480Arg variant has been published in the medical literature in individuals with a clinical diagnosis of Leber congenital amaurosis (Lotery 2001, Stone 2007). This variant is listed in the ClinVar database (Variation ID: 99870) and the dbSNP variant database (rs62636264) with an allele frequency of 0.001082 percent (3/277216 alleles) in the Genome Aggregation Database. This variant occurs in an EGF domain, which contains highly conserved cysteine residues and substitutions in the cysteine residues is likely to result in protein misfolding and other variants altering a cysteine residue in the EGF domains are predicted to be pathogenic (Davis 2007). Accordingly, the cysteine at this position is highly conserved across species and computational algorithms (AlignGVGD, PolyPhen2, SIFT) predict this variant is deleterious. Considering available information, this variant is classified as pathogenic. References: Davis JA et al. The N1317H substitution associated with Leber congenital amaurosis results in impaired interdomain packing in human CRB1 epidermal growth factor-like (EGF) domains. J Biol Chem. 2007 Sep 28;282(39):28807-14. Lotery AJ et al. Mutations in the CRB1 gene cause Leber congenital amaurosis. Arch Ophthalmol. 2001 Mar;119(3):415-20. Stone EM. Leber congenital amaurosis - a model for efficient genetic testing of heterogeneous disorders: LXIV Edward Jackson Memorial Lecture. Am J Ophthalmol. 2007 Dec;144(6):791-811.

Retina International
No classification provided. Review status: no classification provided. Collection method: not provided. Allele origin: not provided. Not counted in ClinVar's aggregate classification.

Literature cited by the submitters: PubMed 11231775 (cited by 4 submitters); PubMed 25412400 (cited by Natera, Inc.); PubMed 36196406 (cited by Natera, Inc.); PubMed 35318874 (cited by Natera, Inc. and Women's Health and Genetics/Laboratory Corporation of America, LabCorp); PubMed 21757580 (cited by 3 submitters); PubMed 23847139 (cited by Labcorp Genetics (formerly Invitae), Labcorp and Ocular Genomics Institute, Massachusetts Eye and Ear).